The following is an entry in ClinVar:

NM_001024383.2(NAV3):c.36G>A (p.Gln12=)

Gene: NAV3 (neuron navigator 3; plus strand). Cytogenetic location: 12q21.2.
Variant type: single nucleotide variant.
Coding change: c.36G>A on transcript NM_001024383.2 (MANE Select); coding-DNA position 36, G replaced by A.
Protein change: p.Gln12=; no amino-acid change (glutamine 12 retained).
Molecular consequence: synonymous variant.
Genome position (GRCh38, 1-based): chr12:77,831,497, G>A. VCF-style: chr12-77831497-G-A. GRCh37 (hg19) VCF-style: chr12-78225277-G-A.
Other names: c.36G>A, p.Gln12= (NM_014903.6).
Identifiers: ClinVar variation 3234322 (VCV003234322.20), dbSNP rs1163802650, ClinGen allele CA481017650.

ClinVar aggregate classification (germline): Likely benign (1 of 4 stars; one submission).

Allele frequency attached by ClinVar (database versions not stated): gnomAD exomes below 0.00001.
gnomAD v4.1: 2 of 1,611,154 alleles (0.00012%); highest among the groups gnomAD compares: Non-Finnish European, 0.00017%; no homozygotes.

Submission:

CeGaT Center for Human Genetics Tuebingen
Classification: Likely benign. Last evaluated: 2024-03-01. Review status: criteria provided, single submitter. Criteria: CeGaT Center For Human Genetics Tuebingen Variant Classification Criteria Version 2. Collection method: clinical testing. Allele origin: germline. Affected: yes. Observed: 1 variant allele.
Comment: NAV3: BP4, BP7